The following is an entry in ClinVar:

NM_003664.5(AP3B1):c.2572A>G (p.Ile858Val)

Gene: AP3B1 (adaptor related protein complex 3 subunit beta 1; minus strand). Cytogenetic location: 5q14.1.
Variant type: single nucleotide variant.
Coding change: c.2572A>G on transcript NM_003664.5 (MANE Select); coding-DNA position 2572, A replaced by G.
Protein change: p.Ile858Val; replaces isoleucine 858 with valine.
Molecular consequence: missense variant.
Genome position (GRCh38, 1-based): chr5:78,089,398, T>C on the plus strand (A>G on the coding strand, the complement: AP3B1 is on the minus strand). VCF-style: chr5-78089398-T-C. GRCh37 (hg19) VCF-style: chr5-77385222-T-C.
Other names: c.2425A>G, p.Ile809Val (NM_001271769.2); short protein forms I858V, I809V.
Identifiers: ClinVar variation 228441 (VCV000228441.11), dbSNP rs150765181, ClinGen allele CA3316738.

ClinVar aggregate classification (germline): Uncertain significance. Review status: criteria provided, multiple submitters, no conflicts (2 of 4 stars). 2 submissions from 2 submitters: Uncertain significance (2). Last evaluated 2021-09-02.

Conditions:
Hermansky-Pudlak syndrome 2 (HPS2). Also called: Platelet defects and oculocutaneous albinism. Identifiers: Orphanet 183678, Orphanet 79430, MedGen C1842362, MONDO:0011997, OMIM 608233.

Allele frequency attached by ClinVar (database versions not stated): gnomAD exomes 0.00002 and 0.00007; ExAC 0.00003; gnomAD 0.00003; TOPMed 0.00004; ESP Exome Variant Server 0.00008.
gnomAD v4.1: 116 of 1,605,472 alleles (0.0072%); highest among the groups gnomAD compares: Non-Finnish European, 0.0087%; no homozygotes.

Submissions (2):

Labcorp Genetics (formerly Invitae), Labcorp
Classification: Uncertain significance for Hermansky-Pudlak syndrome 2. Last evaluated: 2021-09-02. Review status: criteria provided, single submitter. Criteria: Invitae Variant Classification Sherloc (09022015). Collection method: clinical testing. Allele origin: germline.
Comment: This sequence change replaces isoleucine with valine at codon 858 of the AP3B1 protein (p.Ile858Val). The isoleucine residue is moderately conserved and there is a small physicochemical difference between isoleucine and valine. This variant is present in population databases (rs150765181, ExAC 0.005%). This variant has not been reported in the literature in individuals affected with AP3B1-related conditions. ClinVar contains an entry for this variant (Variation ID: 228441). Algorithms developed to predict the effect of missense changes on protein structure and function (SIFT, PolyPhen-2, Align-GVGD) all suggest that this variant is likely to be tolerated. Algorithms developed to predict the effect of sequence changes on RNA splicing suggest that this variant may create or strengthen a splice site. In summary, the available evidence is currently insufficient to determine the role of this variant in disease. Therefore, it has been classified as a Variant of Uncertain Significance.

Laboratory for Molecular Medicine, Mass General Brigham Personalized Medicine
Classification: Uncertain significance. Last evaluated: 2015-08-12. Review status: criteria provided, single submitter. Criteria: LMM Criteria. Collection method: clinical testing. Allele origin: germline. Observed: 1 variant allele.
Comment: The p.Ile858Val variant in AP3B1 has not been previously reported in individuals with pulmonary disease, but has been identified in 3/65412 European chromosomes by the Exome Aggregation Consortium (ExAC; dbSN P rs150765181). Computational prediction tools and conservation analysis do no t provide strong support for or against an impact to the protein. In summary, th e clinical significance of the p.Ile858Val variant is uncertain.